The following is an entry in ClinVar:

NM_001199107.2(TBC1D24):c.1467C>T (p.Asn489=)

Gene: TBC1D24 (TBC1 domain family member 24; plus strand). Cytogenetic location: 16p13.3.
Variant type: single nucleotide variant.
Coding change: c.1467C>T on transcript NM_001199107.2 (MANE Select); coding-DNA position 1467, C replaced by T.
Protein change: p.Asn489=; no amino-acid change (asparagine 489 retained).
Molecular consequence: synonymous variant.
Genome position (GRCh38, 1-based): chr16:2,500,432, C>T. VCF-style: chr16-2500432-C-T. GRCh37 (hg19) VCF-style: chr16-2550433-C-T.
Other names: c.1449C>T, p.Asn483= (NM_020705.3).
Identifiers: ClinVar variation 227978 (VCV000227978.19), dbSNP rs779963634, ClinGen allele CA7844302.

ClinVar aggregate classification (germline): Likely benign. Review status: criteria provided, multiple submitters, no conflicts (2 of 4 stars). 3 submissions from 3 submitters: Likely benign (3). Last evaluated 2025-08-11.

Conditions:
Developmental and epileptic encephalopathy, 1 (DEE1). Also called: Epileptic encephalopathy, early infantile, 1; X-linked infantile spasms; West's syndrome; Tonic spasms with clustering, arrest of psychomotor development and hypsarrhythmia on EEG; X-Linked Infantile Spasm Syndrome; OHTAHARA SYNDROME, X-LINKED. Identifiers: MedGen C3463992, MONDO:0010632, OMIM 308350. Disease mechanism: loss of function.
Autosomal dominant nonsyndromic hearing loss 65. Also called: TBC1D24-Related Autosomal Dominant Nonsyndromic Hearing Loss (DFNA); Deafness, autosomal dominant 65. Identifiers: Orphanet 90635, MedGen C3892048, MONDO:0014470, OMIM 616044.

Allele frequency attached by ClinVar (database versions not stated): TOPMed 0.00003; ExAC 0.00002; gnomAD exomes 0.00002 and 0.00006.
gnomAD v4.1: 81 of 1,602,130 alleles (0.0051%); highest among the groups gnomAD compares: Non-Finnish European, 0.0066%; no homozygotes.

Submissions (3):

Labcorp Genetics (formerly Invitae), Labcorp
Classification: Likely benign for Developmental and epileptic encephalopathy, 1; Autosomal dominant nonsyndromic hearing loss 65. Last evaluated: 2025-08-11. Review status: criteria provided, single submitter. Criteria: Invitae Variant Classification Sherloc (09022015). Collection method: clinical testing. Allele origin: germline.

GeneDx
Classification: Likely benign. Last evaluated: 2016-02-12. Review status: criteria provided, single submitter. Criteria: GeneDx Variant Classification (06012015). Collection method: clinical testing. Allele origin: germline. Affected: yes.
Comment: This variant is considered likely benign or benign based on one or more of the following criteria: it is a conservative change, it occurs at a poorly conserved position in the protein, it is predicted to be benign by multiple in silico algorithms, and/or has population frequency not consistent with disease.

Laboratory for Molecular Medicine, Mass General Brigham Personalized Medicine
Classification: Likely benign. Last evaluated: 2015-05-12. Review status: criteria provided, single submitter. Criteria: LMM Criteria. Collection method: clinical testing. Allele origin: germline. Observed: 2 variant alleles.
Comment: p.Asn489Asn in exon 7 of TBC1D24: This variant is not expected to have clinical significance because it does not alter an amino acid residue and is not located within the splice consensus sequence. It has been identified in 1/33642 of Europ ean chromosomes by the Exome Aggregation Consortium (ExAC).